The following is an entry in ClinVar:

NM_013444.4(UBQLN2):c.368C>G (p.Thr123Ser)

Gene: UBQLN2 (ubiquilin 2; plus strand). Cytogenetic location: Xp11.21.
Variant type: single nucleotide variant.
Coding change: c.368C>G on transcript NM_013444.4 (MANE Select); coding-DNA position 368, C replaced by G.
Protein change: p.Thr123Ser; replaces threonine 123 with serine.
Molecular consequence: missense variant.
Genome position (GRCh38, 1-based): chrX:56,564,241, C>G. VCF-style: chrX-56564241-C-G. GRCh37 (hg19) VCF-style: chrX-56590674-C-G.
Other names: short protein forms T123S.
Identifiers: ClinVar variation 1933155 (VCV001933155.6), dbSNP rs1450623972, ClinGen allele CA413378173.

ClinVar aggregate classification (germline): Uncertain significance. Review status: criteria provided, multiple submitters, no conflicts (2 of 4 stars). 2 submissions from 2 submitters: Uncertain significance (2). Last evaluated 2025-12-09.

Conditions:
Amyotrophic lateral sclerosis type 15. Also called: AMYOTROPHIC LATERAL SCLEROSIS 15 WITH FRONTOTEMPORAL DEMENTIA. Identifiers: Orphanet 803, MedGen C3275459, MONDO:0010459, OMIM 300857.

Allele frequency attached by ClinVar (database versions not stated): gnomAD exomes below 0.00001; TOPMed below 0.00001; gnomAD 0.00002.
gnomAD v4.1: 4 of 1,209,306 alleles (0.00033%); highest among the groups gnomAD compares: Admixed American, 0.0022%; no homozygotes.

Submissions (2):

Ambry Genetics
Classification: Uncertain significance. Last evaluated: 2025-12-09. Review status: criteria provided, single submitter. Criteria: Ambry Variant Classification Scheme 2023. Collection method: clinical testing. Allele origin: germline.

Labcorp Genetics (formerly Invitae), Labcorp
Classification: Uncertain significance for Amyotrophic lateral sclerosis type 15. Last evaluated: 2022-08-23. Review status: criteria provided, single submitter. Criteria: Invitae Variant Classification Sherloc (09022015). Collection method: clinical testing. Allele origin: germline.
Comment: This variant is present in population databases (no rsID available, gnomAD 0.01%), including at least one homozygous and/or hemizygous individual. This sequence change replaces threonine, which is neutral and polar, with serine, which is neutral and polar, at codon 123 of the UBQLN2 protein (p.Thr123Ser). This variant has not been reported in the literature in individuals affected with UBQLN2-related conditions. Algorithms developed to predict the effect of missense changes on protein structure and function output the following: SIFT: "Not Available"; PolyPhen-2: "Benign"; Align-GVGD: "Not Available". The serine amino acid residue is found in multiple mammalian species, which suggests that this missense change does not adversely affect protein function. In summary, the available evidence is currently insufficient to determine the role of this variant in disease. Therefore, it has been classified as a Variant of Uncertain Significance.